The following is an entry in ClinVar:

ClinVar aggregate classification (germline): Uncertain significance. Review status: criteria provided, multiple submitters, no conflicts (2 of 4 stars). 3 submissions from 3 submitters: Uncertain significance (3). Last evaluated 2025-06-11.

Conditions:
Hereditary cancer-predisposing syndrome. Also called: Neoplastic Syndromes, Hereditary; Hereditary Cancer Syndrome; Hereditary neoplastic syndrome; Tumor predisposition. Identifiers: Orphanet 140162, MedGen C0027672, MeSH D009386, MONDO:0015356.
Cardiovascular phenotype. Identifiers: MedGen CN230736.
Neurofibromatosis, type 1 (NF1). Also called: Neurofibromatosis, type I; Peripheral type neurofibromatosis; VON RECKLINGHAUSEN DISEASE; NEUROFIBROMATOSIS, TYPE I, SOMATIC. Identifiers: Orphanet 636, MedGen C0027831, MONDO:0018975, OMIM 162200. Disease mechanism: loss of function.

Allele frequency attached by ClinVar (database versions not stated): gnomAD exomes below 0.00001.
gnomAD v4.1: 2 of 1,614,160 alleles (0.00012%); highest among the groups gnomAD compares: Non-Finnish European, 0.000085%; no homozygotes.

Submissions (3):

Ambry Genetics
Classification: Uncertain significance for Cardiovascular phenotype; Hereditary cancer-predisposing syndrome. Last evaluated: 2025-06-11. Review status: criteria provided, single submitter. Criteria: Ambry Variant Classification Scheme 2023. Collection method: clinical testing. Allele origin: germline.
Comment: The p.E2174Q variant (also known as c.6520G>C), located in coding exon 42 of the NF1 gene, results from a G to C substitution at nucleotide position 6520. The glutamic acid at codon 2174 is replaced by glutamine, an amino acid with highly similar properties. This amino acid position is highly conserved in available vertebrate species. In addition, the in silico prediction for this alteration is inconclusive. Based on the available evidence, the clinical significance of this variant remains unclear.

Genome-Nilou Lab
Classification: Uncertain significance for Neurofibromatosis, type 1. Last evaluated: 2022-03-15. Review status: criteria provided, single submitter. Criteria: ACMG Guidelines, 2015. Collection method: clinical testing. Allele origin: germline. Affected: no.

Labcorp Genetics (formerly Invitae), Labcorp
Classification: Uncertain significance for Neurofibromatosis, type 1. Last evaluated: 2020-02-26. Review status: criteria provided, single submitter. Criteria: Invitae Variant Classification Sherloc (09022015). Collection method: clinical testing. Allele origin: germline.
Comment: This sequence change replaces glutamic acid with glutamine at codon 2174 of the NF1 protein (p.Glu2174Gln). The glutamic acid residue is moderately conserved and there is a small physicochemical difference between glutamic acid and glutamine. This variant is not present in population databases (ExAC no frequency). This variant has not been reported in the literature in individuals with NF1-related conditions. Algorithms developed to predict the effect of missense changes on protein structure and function are either unavailable or do not agree on the potential impact of this missense change (SIFT: "Tolerated"; PolyPhen-2: "Probably Damaging"; Align-GVGD: "Class C0"). In summary, the available evidence is currently insufficient to determine the role of this variant in disease. Therefore, it has been classified as a Variant of Uncertain Significance.

NM_001042492.3(NF1):c.6583G>C (p.Glu2195Gln)

Gene: NF1 (neurofibromin 1; plus strand). Cytogenetic location: 17q11.2.
Variant type: single nucleotide variant.
Coding change: c.6583G>C on transcript NM_001042492.3 (MANE Select); coding-DNA position 6583, G replaced by C.
Protein change: p.Glu2195Gln; replaces glutamic acid 2195 with glutamine.
Molecular consequence: missense variant.
Genome position (GRCh38, 1-based): chr17:31,337,523, G>C. VCF-style: chr17-31337523-G-C. GRCh37 (hg19) VCF-style: chr17-29664541-G-C.
Other names: c.6520G>C, p.Glu2174Gln (NM_000267.4); short protein forms E2174Q, E2195Q.
Identifiers: ClinVar variation 826461 (VCV000826461.11), dbSNP rs1597843959, ClinGen allele CA399013329.